The following is an entry in ClinVar:

ClinVar aggregate classification (germline): Likely benign (1 of 4 stars; one submission).

Conditions:
ACTN4-related disorder. Also called: ACTN4-related condition.

gnomAD v4.1: 11 of 1,039,224 alleles (0.0011%); highest among the groups gnomAD compares: East Asian, 0.049%; no homozygotes.

Submission:

PreventionGenetics, part of Exact Sciences
Classification: Likely benign for ACTN4-related condition. Last evaluated: 2024-11-13. Review status: criteria provided, single submitter. Criteria: ACMG Guidelines, 2015. Collection method: clinical testing. Allele origin: germline.
Comment: This variant is classified as likely benign based on ACMG/AMP sequence variant interpretation guidelines (Richards et al. 2015 PMID: 25741868, with internal and published modifications).

NM_004924.6(ACTN4):c.819+1010G>C

Gene: ACTN4 (actinin alpha 4; plus strand). Cytogenetic location: 19q13.2.
Variant type: single nucleotide variant.
Coding change: c.819+1010G>C on transcript NM_004924.6 (MANE Select); 1010 bases into the intron after coding-DNA position 819, G replaced by C.
Molecular consequence: intron variant. On other transcripts: synonymous variant (3).
Genome position (GRCh38, 1-based): chr19:38,711,352, G>C. VCF-style: chr19-38711352-G-C. GRCh37 (hg19) VCF-style: chr19-39201992-G-C.
Other names: c.810G>C, p.Gly270= (NM_001322033.2, NM_001411143.1, NM_001440300.1); c.819+1010G>C (NM_001440296.1, NM_001440298.1); c.567+1010G>C (NM_001440299.1).
Identifiers: ClinVar variation 4978899 (VCV004978899.1).
Genomic context (GRCh38, chr19:38,711,352, plus strand): 5'-GAGGCCAGATGAGAAGGCCATCATGACTTACGTGTCCTGCTTCTACCACGCTTTCTCGGG[G>C]GCTCAGAAGGTGAGCTGGGCCAGGCACACCTCGCTGCTGGGGCTGCAGACCTGCCTTCAC-3'